The following is an entry in ClinVar:

NM_001035.3(RYR2):c.7114C>T (p.Leu2372Phe)

Gene: RYR2 (ryanodine receptor 2; plus strand). Cytogenetic location: 1q43.
Variant type: single nucleotide variant.
Coding change: c.7114C>T on transcript NM_001035.3 (MANE Select); coding-DNA position 7114, C replaced by T.
Protein change: p.Leu2372Phe; replaces leucine 2372 with phenylalanine.
Molecular consequence: missense variant.
Genome position (GRCh38, 1-based): chr1:237,639,200, C>T. VCF-style: chr1-237639200-C-T. GRCh37 (hg19) VCF-style: chr1-237802500-C-T.
Other names: short protein forms L2372F.
Identifiers: ClinVar variation 2730968 (VCV002730968.3), dbSNP rs765925963, ClinGen allele CA087286.

ClinVar aggregate classification (germline): Uncertain significance (1 of 4 stars; one submission).

Conditions:
Catecholaminergic polymorphic ventricular tachycardia 1. Also called: RYR2-Related Catecholaminergic Polymorphic Ventricular Tachycardia; VENTRICULAR TACHYCARDIA, CATECHOLAMINERGIC POLYMORPHIC, 1, WITH OR WITHOUT ATRIAL DYSFUNCTION AND/OR DILATED CARDIOMYOPATHY; VENTRICULAR TACHYCARDIA, STRESS-INDUCED POLYMORPHIC 1. Identifiers: Orphanet 3286, MedGen C1631597, MONDO:0011484, OMIM 604772.

Submission:

Labcorp Genetics (formerly Invitae), Labcorp
Classification: Uncertain significance for Catecholaminergic polymorphic ventricular tachycardia 1. Last evaluated: 2023-03-30. Review status: criteria provided, single submitter. Criteria: Invitae Variant Classification Sherloc (09022015). Collection method: clinical testing. Allele origin: germline.
Comment: In summary, the available evidence is currently insufficient to determine the role of this variant in disease. Therefore, it has been classified as a Variant of Uncertain Significance. An algorithm developed to predict the effect of missense changes on protein structure and function (PolyPhen-2) suggests that this variant is likely to be tolerated. This variant has not been reported in the literature in individuals affected with RYR2-related conditions. This variant is not present in population databases (gnomAD no frequency). This sequence change replaces leucine, which is neutral and non-polar, with phenylalanine, which is neutral and non-polar, at codon 2372 of the RYR2 protein (p.Leu2372Phe).